The following is an entry in ClinVar:

NC_000019.9:g.(?_45854648)_(45873846_?)dup

Genes: ERCC2 (ERCC excision repair 2, TFIIH core complex helicase subunit; minus strand), KLC3 (kinesin light chain 3; plus strand). Cytogenetic location: 19q13.32.
Variant type: Duplication.
Identifiers: ClinVar variation 1677120 (VCV001677120.1).

ClinVar aggregate classification (germline): Likely benign (1 of 4 stars; one submission).

Submission:

Women's Health and Genetics/Laboratory Corporation of America, LabCorp
Classification: Likely benign. Last evaluated: 2022-03-16. Review status: criteria provided, single submitter. Criteria: LabCorp Variant Classification Summary - May 2015. Collection method: clinical testing. Allele origin: germline.
Comment: Variant summary: The variant identified by MLPA or other technology involves the duplication of exons 1-23 (i.e. the full coding sequence) of the ERCC2 gene. A presumed nomenclature of c.(?_-48)_(*239_?)dup has been designated for the purposes of this classification. It has been assumed that this is a tandem duplication in direct orientation (Richardson_GIM_2018, Newman_AJHG_2015). Since exact breakpoints of this duplication are not known, it might extend beyond the assayed region of the ERCC2 gene, including other flanking genes. A large (68,615 bp) duplication variant involving the ERCC2 gene (together with the full duplication of the downstream flanking gene KLC3, and a partial duplication of the upstream flanking gene PPP1R13L) was found at a frequency of 0.00055 in 21692 control chromosomes, predominantly within the Non-Finnish European subpopulation at a frequency of 0.001 (i.e. 8/7624 alleles) in the gnomAD database, structural variants dataset. The observed variant frequency within Non-Finnish European control individuals is higher than the estimated maximal expected allele frequency for a pathogenic variant in ERCC2 causing Xeroderma Pigmentosum phenotype (0.00061), suggesting that the variant is a benign polymorphism. To our knowledge, no occurrence of c.(?_-48)_(*239_?)dup in individuals affected with Xeroderma Pigmentosum and no experimental evidence demonstrating its impact on protein function have been reported. In ClinVar, several large duplication variants (ranging from ~47 kbp to ~68 kbp) are submitted, which involve the ERCC2 gene together with the duplication of the downstream flanking gene KLC3, and a partial duplication of the upstream flanking gene PPP1R13L, and are classified as benign (e.g. variation IDs: 616079, 616080, 616081, 616082), or likely benign (e.g. variation ID: 145941), without providing evidence details. Based on the evidence outlined above, large duplication variants involving the full coding sequence of the ERCC2 gene, together with flanking DNA segments that include the essential regulatory regions, are classified as likely benign.